The following is an entry in ClinVar:

ClinVar aggregate classification (germline): Uncertain significance. Review status: criteria provided, multiple submitters, no conflicts (2 of 4 stars). 2 submissions from 2 submitters: Uncertain significance (2). Last evaluated 2024-10-08.

Conditions:
CSMD1-related disorder. Also called: CSMD1-related condition.

Allele frequency attached by ClinVar (database versions not stated): ExAC 0.00006; TOPMed 0.00014.
gnomAD v4.1: 11 of 1,589,120 alleles (0.00069%); highest among the groups gnomAD compares: Admixed American, 0.014%; no homozygotes.

Submissions (2):

Ambry Genetics
Classification: Uncertain significance. Last evaluated: 2024-10-08. Review status: criteria provided, single submitter. Criteria: Ambry Variant Classification Scheme 2023. Collection method: clinical testing. Allele origin: germline.

PreventionGenetics, part of Exact Sciences
Classification: Uncertain significance for CSMD1-related condition. Last evaluated: 2023-02-23. Review status: criteria provided, single submitter. Criteria: ACMG Guidelines, 2015. Collection method: clinical testing. Allele origin: germline.
Comment: The CSMD1 c.5154G>T variant is predicted to result in the amino acid substitution p.Lys1718Asn. To our knowledge, this variant has not been reported in the literature. This variant is reported in 0.0021% of alleles in individuals of European (Non-Finnish) descent in gnomAD. At this time, the clinical significance of this variant is uncertain due to the absence of conclusive functional and genetic evidence.

NM_033225.6(CSMD1):c.5154G>T (p.Lys1718Asn)

Gene: CSMD1 (CUB and Sushi multiple domains 1; minus strand). Cytogenetic location: 8p23.2.
Variant type: single nucleotide variant.
Coding change: c.5154G>T on transcript NM_033225.6 (MANE Select); coding-DNA position 5154, G replaced by T.
Protein change: p.Lys1718Asn; replaces lysine 1718 with asparagine.
Molecular consequence: missense variant.
Genome position (GRCh38, 1-based): chr8:3,199,754, C>A on the plus strand (G>T on the coding strand, the complement: CSMD1 is on the minus strand). VCF-style: chr8-3199754-C-A. GRCh37 (hg19) VCF-style: chr8-3057276-C-A.
Other names: short protein forms K1718N.
Identifiers: ClinVar variation 2628945 (VCV002628945.2), dbSNP rs748811179, ClinGen allele CA4607069.